The following is an entry in ClinVar:

NM_006852.6(TLK2):c.2161C>A (p.Pro721Thr)

Gene: TLK2 (tousled like kinase 2; plus strand). Cytogenetic location: 17q23.2.
Variant type: single nucleotide variant.
Coding change: c.2161C>A on transcript NM_006852.6 (MANE Select); coding-DNA position 2161, C replaced by A.
Protein change: p.Pro721Thr; replaces proline 721 with threonine.
Molecular consequence: missense variant.
Genome position (GRCh38, 1-based): chr17:62,612,473, C>A. VCF-style: chr17-62612473-C-A. GRCh37 (hg19) VCF-style: chr17-60689834-C-A.
Other names: c.2227C>A, p.Pro743Thr (NM_001284333.3); c.2065C>A, p.Pro689Thr (NM_001284363.1, NM_001375272.1); c.1714C>A, p.Pro572Thr (NM_001330418.3, NM_001375273.1); c.2203C>A, p.Pro735Thr (NM_001375269.1); c.2161C>A, p.Pro721Thr (NM_001375270.1, NM_001375271.1); c.1876C>A, p.Pro626Thr (NM_001411074.1); short protein forms P721T, P735T, P626T, P689T, P743T, P572T.
Identifiers: ClinVar variation 3730940 (VCV003730940.1).

ClinVar aggregate classification (germline): Uncertain significance (1 of 4 stars; one submission).

Submission:

GeneDx
Classification: Uncertain significance. Last evaluated: 2024-08-07. Review status: criteria provided, single submitter. Criteria: GeneDx Variant Classification Process June 2021. Collection method: clinical testing. Allele origin: germline. Affected: yes.
Comment: In silico analysis supports that this missense variant has a deleterious effect on protein structure/function; Not observed at significant frequency in large population cohorts (gnomAD); Has not been previously published as pathogenic or benign to our knowledge